The following is an entry in ClinVar:

NM_001267550.2(TTN):c.18279A>T (p.Ala6093=)

Genes: TTN (titin; minus strand), LOC126806430 (BRD4-independent group 4 enhancer GRCh37_chr2:179593794-179594993; plus strand). Cytogenetic location: 2q31.2.
Variant type: single nucleotide variant.
Coding change: c.18279A>T on transcript NM_001267550.2 (MANE Select); coding-DNA position 18279, A replaced by T.
Protein change: p.Ala6093=; no amino-acid change (alanine 6093 retained).
Molecular consequence: synonymous variant. On other transcripts: intron variant (3).
Genome position (GRCh38, 1-based): chr2:178,730,121, T>A on the plus strand (A>T on the coding strand, the complement: TTN is on the minus strand). VCF-style: chr2-178730121-T-A. GRCh37 (hg19) VCF-style: chr2-179594848-T-A.
Other names: c.17328A>T, p.Ala5776= (NM_001256850.1); c.14547A>T, p.Ala4849= (NM_133378.4); c.13282+7961A>T (NM_003319.4); c.13858+7961A>T (NM_133437.4); c.13657+7961A>T (NM_133432.3).
Identifiers: ClinVar variation 2944472 (VCV002944472.5), dbSNP rs2529981134, ClinGen allele CA430292580.

ClinVar aggregate classification (germline): Likely benign. Review status: criteria provided, multiple submitters, no conflicts (2 of 4 stars). 2 submissions from 2 submitters: Likely benign (2). Last evaluated 2026-05-01.

Conditions:
Dilated cardiomyopathy 1G (CMD1G). Identifiers: Orphanet 154, MedGen C1858763, MONDO:0011400, OMIM 604145.
Autosomal recessive limb-girdle muscular dystrophy type 2J (LGMDR10). Also called: Limb-girdle muscular dystrophy, type 2J; MUSCULAR DYSTROPHY, LIMB-GIRDLE, AUTOSOMAL RECESSIVE 10. Identifiers: Orphanet 140922, MedGen C1837342, MONDO:0012127, OMIM 608807.

Submissions (2):

CeGaT Center for Human Genetics Tuebingen
Classification: Likely benign. Last evaluated: 2026-05-01. Review status: criteria provided, single submitter. Criteria: CeGaT Center For Human Genetics Tuebingen Variant Classification Criteria Version 2. Collection method: clinical testing. Allele origin: germline. Affected: yes. Observed: 1 variant allele.
Comment: TTN: PM2:Supporting, BP4, BP7

Labcorp Genetics (formerly Invitae), Labcorp
Classification: Likely benign for Dilated cardiomyopathy 1G; Autosomal recessive limb-girdle muscular dystrophy type 2J. Last evaluated: 2023-02-18. Review status: criteria provided, single submitter. Criteria: Invitae Variant Classification Sherloc (09022015). Collection method: clinical testing. Allele origin: germline.